The following is an entry in ClinVar:

NM_201596.3(CACNB2):c.440T>G (p.Phe147Cys)

Gene: CACNB2 (calcium voltage-gated channel auxiliary subunit beta 2; plus strand). Cytogenetic location: 10p12.31.
Variant type: single nucleotide variant.
Coding change: c.440T>G on transcript NM_201596.3 (MANE Select); coding-DNA position 440, T replaced by G.
Protein change: p.Phe147Cys; replaces phenylalanine 147 with cysteine.
Molecular consequence: missense variant.
Genome position (GRCh38, 1-based): chr10:18,498,461, T>G. VCF-style: chr10-18498461-T-G. GRCh37 (hg19) VCF-style: chr10-18787390-T-G.
Other names: c.278T>G, p.Phe93Cys (NM_201590.3); c.440T>G, p.Phe147Cys (NM_201593.3, NM_201597.3); c.275T>G, p.Phe92Cys (NM_000724.4, NM_001330060.2); c.356T>G, p.Phe119Cys (NM_001167945.2, NM_201571.4, NM_201572.4); c.296T>G, p.Phe99Cys (NM_001410882.1, NM_201570.3); short protein forms F119C, F92C, F93C, F99C, F147C.
Identifiers: ClinVar variation 4844231 (VCV004844231.1).

ClinVar aggregate classification (germline): Uncertain significance (1 of 4 stars; one submission).

Conditions:
Cardiovascular phenotype. Identifiers: MedGen CN230736.

gnomAD v4.1: 12 of 1,614,004 alleles (0.00074%); highest among the groups gnomAD compares: Non-Finnish European, 0.001%; no homozygotes.

Submission:

Ambry Genetics
Classification: Uncertain significance for Cardiovascular phenotype. Last evaluated: 2026-01-02. Review status: criteria provided, single submitter. Criteria: Ambry Variant Classification Scheme 2023. Collection method: clinical testing. Allele origin: germline.
Comment: The p.F93C variant (also known as c.278T>G), located in coding exon 3 of the CACNB2 gene, results from a T to G substitution at nucleotide position 278. The phenylalanine at codon 93 is replaced by cysteine, an amino acid with highly dissimilar properties. This amino acid position is conserved. In addition, this alteration is predicted to be deleterious by in silico analysis. Based on the available evidence, the clinical significance of this variant remains unclear.